The following is an entry in ClinVar:

ClinVar aggregate classification (germline): Likely benign (0 of 4 stars; one submission).

Conditions:
CPT1A-related disorder. Also called: CPT1A-related condition.

Submission:

PreventionGenetics, part of Exact Sciences
Classification: Likely benign for CPT1A-related condition. Last evaluated: 2020-09-30. Review status: no assertion criteria provided. Collection method: clinical testing. Allele origin: germline.
Comment: This variant is classified as likely benign based on ACMG/AMP sequence variant interpretation guidelines (Richards et al. 2015 PMID: 25741868, with internal and published modifications).

NM_001876.4(CPT1A):c.142-10C>T

Gene: CPT1A (carnitine palmitoyltransferase 1A; minus strand). Cytogenetic location: 11q13.3.
Variant type: single nucleotide variant.
Coding change: c.142-10C>T on transcript NM_001876.4 (MANE Select); 10 bases into the intron before coding-DNA position 142, C replaced by T.
Molecular consequence: intron variant.
Genome position (GRCh38, 1-based): chr11:68,812,586, G>A on the plus strand (C>T on the coding strand, the complement: CPT1A is on the minus strand). VCF-style: chr11-68812586-G-A. GRCh37 (hg19) VCF-style: chr11-68580054-G-A.
Other names: c.142-10C>T (NM_001031847.3).
Identifiers: ClinVar variation 3032341 (VCV003032341.2), dbSNP rs2495682589, ClinGen allele CA2740093095.